The following is an entry in ClinVar:

ClinVar aggregate classification (germline): Uncertain significance (1 of 4 stars; one submission).

Conditions:
Alzheimer disease. Also called: Presenile and senile dementia; Alzheimer's disease. Identifiers: Orphanet 1020, MedGen C0002395, MeSH D000544, MONDO:0004975, HP:0002511.

Submission:

Labcorp Genetics (formerly Invitae), Labcorp
Classification: Uncertain significance for Alzheimer disease. Last evaluated: 2021-07-28. Review status: criteria provided, single submitter. Criteria: Invitae Variant Classification Sherloc (09022015). Collection method: clinical testing. Allele origin: germline.
Comment: In summary, the available evidence is currently insufficient to determine the role of this variant in disease. Therefore, it has been classified as a Variant of Uncertain Significance. Experimental studies are conflicting or provide insufficient evidence to determine the effect of this variant on APP protein function (PMID: 17873282). Algorithms developed to predict the effect of missense changes on protein structure and function are either unavailable or do not agree on the potential impact of this missense change (SIFT: "Deleterious"; PolyPhen-2: "Probably Damaging"; Align-GVGD: "Class C0"). This variant is also known as Y687F. This variant has not been reported in the literature in individuals affected with APP-related conditions. This variant is not present in population databases (ExAC no frequency). This sequence change replaces tyrosine with phenylalanine at codon 762 of the APP protein (p.Tyr762Phe). The tyrosine residue is highly conserved and there is a small physicochemical difference between tyrosine and phenylalanine.

Literature cited by the submitters: PubMed 17873282.

NM_000484.4(APP):c.2285A>T (p.Tyr762Phe)

Gene: APP (amyloid beta precursor protein; minus strand). Cytogenetic location: 21q21.3.
Variant type: single nucleotide variant.
Coding change: c.2285A>T on transcript NM_000484.4 (MANE Select); coding-DNA position 2285, A replaced by T.
Protein change: p.Tyr762Phe; replaces tyrosine 762 with phenylalanine.
Molecular consequence: missense variant.
Genome position (GRCh38, 1-based): chr21:25,881,698, T>A on the plus strand (A>T on the coding strand, the complement: APP is on the minus strand). VCF-style: chr21-25881698-T-A. GRCh37 (hg19) VCF-style: chr21-27254009-T-A.
Other names: c.2213A>T, p.Tyr738Phe (NM_001136016.3); c.1892A>T, p.Tyr631Phe (NM_001136129.3); c.2117A>T, p.Tyr706Phe (NM_001136130.3, NM_001385253.1); c.1955A>T, p.Tyr652Phe (NM_001136131.3); c.2231A>T, p.Tyr744Phe (NM_001204301.2); c.2174A>T, p.Tyr725Phe (NM_001204302.2); c.2006A>T, p.Tyr669Phe (NM_001204303.2); c.2228A>T, p.Tyr743Phe (NM_201413.3); and 1 more; short protein forms Y631F, Y652F, Y738F, Y743F, Y669F, Y706F, Y725F, Y762F.
Identifiers: ClinVar variation 1440537 (VCV001440537.6), dbSNP rs373482247, ClinGen allele CA409863549.